The following is an entry in ClinVar:

NM_000038.6(APC):c.266C>G (p.Ser89Ter)

Gene: APC (APC regulator of Wnt signaling pathway; plus strand). Cytogenetic location: 5q22.2.
Variant type: single nucleotide variant.
Coding change: c.266C>G on transcript NM_000038.6 (MANE Select); coding-DNA position 266, C replaced by G.
Protein change: p.Ser89Ter; replaces serine 89 with a stop codon.
Molecular consequence: nonsense. On other transcripts: 5 prime UTR variant (1).
Genome position (GRCh38, 1-based): chr5:112,767,234, C>G. VCF-style: chr5-112767234-C-G. GRCh37 (hg19) VCF-style: chr5-112102931-C-G.
Other names: c.266C>G, p.Ser89Ter (NM_001127510.3, NM_001354895.2, NM_001354896.2 and 2 more transcripts); c.296C>G, p.Ser99Ter (NM_001127511.3, NM_001354897.2, NM_001354902.2); c.191C>G, p.Ser64Ter (NM_001354898.2, NM_001354904.2); c.89C>G, p.Ser30Ter (NM_001354900.2, NM_001354901.2, NM_001354905.2); c.-770C>G (NM_001354906.2); short protein forms S89*, S99*, S64*, S30*.
Identifiers: ClinVar variation 230927 (VCV000230927.21), dbSNP rs876658846, ClinGen allele CA10578287.
Genomic context (GRCh38, chr5:112,767,234, plus strand): 5'-TTCTATTTTATTTAGAGCTTAACTTAGATAGCAGTAATTTCCCTGGAGTAAAACTGCGGT[C>G]AAAAATGTCCCTCCGTTCTTATGGAAGCCGGGAAGGATCTGTATCAAGCCGTTCTGGAGA-3'

ClinVar aggregate classification (germline): Pathogenic. Review status: criteria provided, multiple submitters, no conflicts (2 of 4 stars). 7 submissions from 7 submitters: Pathogenic (6). 1 of the submissions does not count toward it. Last evaluated 2025-11-21.

Conditions:
APC-related attenuated familial adenomatous polyposis. Identifiers: MedGen CN276349, MONDO:0016613.
Hereditary cancer-predisposing syndrome. Also called: Hereditary neoplastic syndrome; Neoplastic Syndromes, Hereditary; Hereditary Cancer Syndrome; Tumor predisposition. Identifiers: Orphanet 140162, MedGen C0027672, MeSH D009386, MONDO:0015356.
Familial adenomatous polyposis 1 (FAP1). Also called: POLYPOSIS, ADENOMATOUS INTESTINAL; FAMILIAL ADENOMATOUS POLYPOSIS 1, ATTENUATED. Identifiers: MedGen C2713442, MONDO:0021056, OMIM 175100. Disease mechanism: loss of function.

Submissions (7):

Dasa
Classification: Pathogenic. Last evaluated: 2025-11-21. Review status: criteria provided, single submitter. Criteria: DASA Assertion Criteria. Collection method: clinical testing. Allele origin: germline.
Comment: NM_000038.6(APC):c.266C>G (p.Ser89*) introduces a premature termination codon leading to truncation of the protein. Loss-of-function is an established mechanism of disease for this gene. The variant has been reported in individuals with familial adenomatous polyposis (PMID: 31285513). It is not observed in population datasets. Based on the available data, this variant is classified as pathogenic.

Institute of Human Genetics, University of Leipzig Medical Center
Classification: Pathogenic for Familial adenomatous polyposis 1. Last evaluated: 2025-07-07. Review status: criteria provided, single submitter. Criteria: ACMG Guidelines, 2015. Collection method: clinical testing. Allele origin: paternal. Inheritance: Autosomal dominant inheritance. Affected: yes.
Comment: Criteria applied: PVS1,PS4_MOD,PM2_SUP

Institute of Medical Genetics and Applied Genomics, University Hospital Tübingen
Classification: Pathogenic. Last evaluated: 2025-01-10. Review status: criteria provided, single submitter. Criteria: ACMG Guidelines, 2015. Collection method: clinical testing. Allele origin: germline. Inheritance: Autosomal dominant inheritance. Affected: yes.

Ambry Genetics
Classification: Pathogenic for Hereditary cancer-predisposing syndrome. Last evaluated: 2023-11-16. Review status: criteria provided, single submitter. Criteria: Ambry Variant Classification Scheme 2023. Collection method: clinical testing. Allele origin: germline.
Comment: The p.S89* pathogenic mutation (also known as c.266C>G), located in coding exon 3 of the APC gene, results from a C to G substitution at nucleotide position 266. This changes the amino acid from a serine to a stop codon within coding exon 3. This alteration is expected to result in loss of function by premature protein truncation or nonsense-mediated mRNA decay. As such, this alteration is interpreted as a disease-causing mutation.

Myriad Genetics, Inc.
Classification: Pathogenic for Familial adenomatous polyposis 1. Last evaluated: 2023-04-25. Review status: criteria provided, single submitter. Criteria: Myriad Autosomal Dominant, Autosomal Recessive and X-Linked Classification Criteria (2023). Collection method: clinical testing. Allele origin: unknown.
Comment: This variant is considered pathogenic. This variant creates a termination codon and is predicted to result in premature protein truncation.

Labcorp Genetics (formerly Invitae), Labcorp
Classification: Pathogenic for Familial adenomatous polyposis 1. Last evaluated: 2022-12-24. Review status: criteria provided, single submitter. Criteria: Invitae Variant Classification Sherloc (09022015). Collection method: clinical testing. Allele origin: germline.
Comment: This sequence change creates a premature translational stop signal (p.Ser89*) in the APC gene. It is expected to result in an absent or disrupted protein product. Loss-of-function variants in APC are known to be pathogenic (PMID: 17963004, 20685668). For these reasons, this variant has been classified as Pathogenic. ClinVar contains an entry for this variant (Variation ID: 230927). This premature translational stop signal has been observed in individual(s) with familial adenomatous polyposis (PMID: 31285513). This variant is not present in population databases (gnomAD no frequency).

Molecular Oncology Laboratory, Hospital Clínico San Carlos
Classification: Pathogenic for Familial adenomatous polyposis 1. Last evaluated: 2018-06-01. Review status: no assertion criteria provided. Criteria: ACMG Guidelines, 2015. Collection method: clinical testing. Allele origin: germline. Inheritance: Autosomal dominant inheritance. Affected: yes. Not counted in ClinVar's aggregate classification.

Literature cited by the submitters: PubMed 31285513 (cited by Dasa and Labcorp Genetics (formerly Invitae), Labcorp); PubMed 17963004 (cited by Labcorp Genetics (formerly Invitae), Labcorp); PubMed 20685668 (cited by Labcorp Genetics (formerly Invitae), Labcorp).